The following is an entry in ClinVar:

ClinVar aggregate classification (germline): Uncertain significance. Review status: criteria provided, single submitter (1 of 4 stars). 2 submissions from 2 submitters: Uncertain significance (1). 1 of the submissions does not count toward it. Last evaluated 2022-05-23.

Conditions:
Beckwith-Wiedemann syndrome (BWS). Also called: EMG SYNDROME; Exomphalos macroglossia gigantism syndrome. Identifiers: Orphanet 116, MedGen C0004903, MONDO:0007534, OMIM 130650.

Submissions (2):

Labcorp Genetics (formerly Invitae), Labcorp
Classification: Uncertain significance for Beckwith-Wiedemann syndrome. Last evaluated: 2022-05-23. Review status: criteria provided, single submitter. Criteria: Invitae Variant Classification Sherloc (09022015). Collection method: clinical testing. Allele origin: germline.
Comment: In summary, the available evidence is currently insufficient to determine the role of this variant in disease. Therefore, it has been classified as a Variant of Uncertain Significance. Algorithms developed to predict the effect of missense changes on protein structure and function (SIFT, PolyPhen-2, Align-GVGD) all suggest that this variant is likely to be disruptive. ClinVar contains an entry for this variant (Variation ID: 570760). This variant has not been reported in the literature in individuals affected with CDKN1C-related conditions. This variant is not present in population databases (gnomAD no frequency). This sequence change replaces proline, which is neutral and non-polar, with arginine, which is basic and polar, at codon 36 of the CDKN1C protein (p.Pro36Arg).

Gharavi Laboratory, Columbia University
Classification: Uncertain significance. Last evaluated: 2018-09-16. Review status: no assertion criteria provided. Criteria: ACMG Guidelines, 2015. Collection method: research. Allele origin: germline. Affected: yes. Not counted in ClinVar's aggregate classification.

NM_001122630.2(CDKN1C):c.74C>G (p.Pro25Arg)

Gene: CDKN1C (cyclin dependent kinase inhibitor 1C; minus strand). Cytogenetic location: 11p15.4.
Variant type: single nucleotide variant.
Coding change: c.74C>G on transcript NM_001122630.2 (MANE Select); coding-DNA position 74, C replaced by G.
Protein change: p.Pro25Arg; replaces proline 25 with arginine.
Molecular consequence: missense variant.
Genome position (GRCh38, 1-based): chr11:2,885,383, G>C on the plus strand (C>G on the coding strand, the complement: CDKN1C is on the minus strand). VCF-style: chr11-2885383-G-C. GRCh37 (hg19) VCF-style: chr11-2906613-G-C.
Other names: c.107C>G, p.Pro36Arg (LRG_533t1, NM_000076.2, NM_001362474.2); c.74C>G, p.Pro25Arg (NM_001122631.2, NM_001362475.2); short protein forms P36R, P25R.
Identifiers: ClinVar variation 570760 (VCV000570760.8), dbSNP rs1564930749, ClinGen allele CA379147750.